The following is an entry in ClinVar:

ClinVar aggregate classification (germline): Likely benign. Review status: criteria provided, multiple submitters, no conflicts (2 of 4 stars). 5 submissions from 5 submitters: Likely benign (5). Last evaluated 2024-10-01.

Conditions:
Hypertrophic cardiomyopathy. Also called: HYPERTROPHIC MYOCARDIOPATHY. Identifiers: Orphanet 217569, MedGen C0007194, MeSH D002312, MONDO:0005045, HP:0001639.
Cardiovascular phenotype. Identifiers: MedGen CN230736.
Cardiomyopathy (CMYO). Also called: Cardiomyopathies. Identifiers: Orphanet 167848, MedGen C0878544, MONDO:0004994, HP:0001638. Inheritance: Various modes of inheritance.

Allele frequency attached by ClinVar (database versions not stated): gnomAD exomes below 0.00001.
gnomAD v4.1: 7 of 1,614,132 alleles (0.00043%); highest among the groups gnomAD compares: Non-Finnish European, 0.00051%; no homozygotes.

Submissions (5):

CeGaT Center for Human Genetics Tuebingen
Classification: Likely benign. Last evaluated: 2024-10-01. Review status: criteria provided, single submitter. Criteria: CeGaT Center For Human Genetics Tuebingen Variant Classification Criteria Version 2. Collection method: clinical testing. Allele origin: germline. Affected: yes. Observed: 3 variant alleles.
Comment: TPM1: PM2:Supporting, BP4, BP7

All of Us Research Program, National Institutes of Health
Classification: Likely benign for Hypertrophic cardiomyopathy. Last evaluated: 2024-03-14. Review status: criteria provided, single submitter. Criteria: ACMG Guidelines, 2015. Collection method: clinical testing. Allele origin: germline. Inheritance: Autosomal dominant inheritance. Observed: 1 variant allele, 1 heterozygote.
Comment: This study involves interpretation of variants in research participants for the purpose of population health screening. Participant phenotype was not available at the time of variant classification. Additional details can be found in publication PMID: 35346344, PMCID: PMC8962531

Labcorp Genetics (formerly Invitae), Labcorp
Classification: Likely benign for Hypertrophic cardiomyopathy. Last evaluated: 2024-01-19. Review status: criteria provided, single submitter. Criteria: Invitae Variant Classification Sherloc (09022015). Collection method: clinical testing. Allele origin: germline.

Ambry Genetics
Classification: Likely benign for Cardiovascular phenotype. Last evaluated: 2023-02-16. Review status: criteria provided, single submitter. Criteria: Ambry Variant Classification Scheme 2023. Collection method: clinical testing. Allele origin: germline.

Color Diagnostics, LLC DBA Color Health
Classification: Likely benign for Cardiomyopathy. Last evaluated: 2020-09-03. Review status: criteria provided, single submitter. Criteria: ACMG Guidelines, 2015. Collection method: clinical testing. Allele origin: germline.

NM_001018005.2(TPM1):c.589T>C (p.Leu197=)

Gene: TPM1 (tropomyosin 1; plus strand). Cytogenetic location: 15q22.2.
Variant type: single nucleotide variant.
Coding change: c.589T>C on transcript NM_001018005.2 (MANE Select); coding-DNA position 589, T replaced by C.
Protein change: p.Leu197=; no amino-acid change (leucine 197 retained).
Molecular consequence: synonymous variant. On other transcripts: intron variant (6).
Genome position (GRCh38, 1-based): chr15:63,061,738, T>C. VCF-style: chr15-63061738-T-C. GRCh37 (hg19) VCF-style: chr15-63353937-T-C.
Other names: c.589T>C, p.Leu197= (NM_001018004.2, NM_001018007.2, NM_001301244.2 and 3 more transcripts); c.481T>C, p.Leu161= (NM_001018008.2, NM_001301289.2, NM_001330346.2 and 2 more transcripts); c.715T>C, p.Leu239= (NM_001365778.1); c.639+465T>C (NM_001018020.2, NM_001018006.2, NM_000366.6); c.531+465T>C (NM_001330351.2, NM_001330344.2, NM_001365781.2).
Identifiers: ClinVar variation 1171913 (VCV001171913.37), dbSNP rs2140963629, ClinGen allele CA2499223038.